The following is an entry in ClinVar:

ClinVar aggregate classification (germline): Benign. Review status: criteria provided, multiple submitters, no conflicts (2 of 4 stars). 3 submissions from 3 submitters: Benign (3). Last evaluated 2026-02-01.

Conditions:
Retinitis pigmentosa (RP). Identifiers: Orphanet 791, MedGen C0035334, MeSH D012174, MONDO:0019200, OMIM 268000. Inheritance: Autosomal dominant, autosomal recessive and X linked inheritance.

Allele frequency attached by ClinVar (database versions not stated): TOPMed 0.00009; 1000 Genomes Project 30x 0.00718; 1000 Genomes Project 0.00739.

Submissions (3):

Labcorp Genetics (formerly Invitae), Labcorp
Classification: Benign. Last evaluated: 2026-02-01. Review status: criteria provided, single submitter. Criteria: Invitae Variant Classification Sherloc (09022015). Collection method: clinical testing. Allele origin: germline.

Illumina Laboratory Services, Illumina
Classification: Benign for Retinitis pigmentosa. Last evaluated: 2018-01-12. Review status: criteria provided, single submitter. Criteria: ICSL Variant Classification Criteria 13 December 2019. Collection method: clinical testing. Allele origin: germline.
Comment: This variant was observed in the ICSL laboratory as part of a predisposition screen in an ostensibly healthy population. It had not been previously curated by ICSL or reported in the Human Gene Mutation Database (HGMD: prior to June 1st, 2018), and was therefore a candidate for classification through an automated scoring system. Utilizing variant allele frequency, disease prevalence and penetrance estimates, and inheritance mode, an automated score was calculated to assess if this variant is too frequent to cause the disease. Based on the score and internal cut-off values, a variant classified as benign is not then subjected to further curation. The score for this variant resulted in a classification of benign for this disease.

Eurofins Ntd Llc (ga)
Classification: Benign. Last evaluated: 2015-03-16. Review status: criteria provided, single submitter. Criteria: EGL Classification Definitions 2015. Collection method: clinical testing. Allele origin: germline. Observed: 1 variant allele, 1 heterozygote.

NM_014014.5(SNRNP200):c.732C>T (p.Leu244=)

Gene: SNRNP200 (small nuclear ribonucleoprotein U5 subunit 200; minus strand). Cytogenetic location: 2q11.2.
Variant type: single nucleotide variant.
Coding change: c.732C>T on transcript NM_014014.5 (MANE Select); coding-DNA position 732, C replaced by T.
Protein change: p.Leu244=; no amino-acid change (leucine 244 retained).
Molecular consequence: synonymous variant.
Genome position (GRCh38, 1-based): chr2:96,298,965, G>A on the plus strand (C>T on the coding strand, the complement: SNRNP200 is on the minus strand). VCF-style: chr2-96298965-G-A. GRCh37 (hg19) VCF-style: chr2-96964703-G-A.
Identifiers: ClinVar variation 198557 (VCV000198557.19), dbSNP rs199688602, ClinGen allele CA203500.
Genomic context (GRCh38, chr2:96,298,965, plus strand): 5'-ATCAATATCCCGAGGGTGCAAATCCTTCTTCTTGGAACTCATCAGTTCACCTGAGGCTAC[G>A]AGCTATAAAAGTAACCAGGCATTTAGCTCACCAGGTCTCTGCCAGCCTCGATCACTTTGC-3'
Protein context (NP_054733.2, residues 234-254): AVVRCTLSAN[Leu244=]VASGELMSSK